The following is an entry in ClinVar:

ClinVar aggregate classification (germline): Likely pathogenic (1 of 4 stars; one submission).

Conditions:
Megalencephalic leukoencephalopathy with subcortical cysts 2B, remitting, with or without impaired intellectual development. Also called: Megalencephalic leukoencephalopathy with subcortical cysts 2B, remitting, with or without intellectual disability. Identifiers: Orphanet 2478, MedGen C3151356, MONDO:0013491, OMIM 613926.

Submission:

Greenwood Genetic Center Diagnostic Laboratories, Greenwood Genetic Center
Classification: Likely pathogenic for Megalencephalic leukoencephalopathy with subcortical cysts 2B, remitting, with or without impaired intellectual development. Last evaluated: 2026-05-11. Review status: criteria provided, single submitter. Criteria: ACMG Guidelines, 2015. Collection method: clinical testing. Allele origin: germline. Affected: yes.
Comment: PVS1, PM2

NM_152722.5(HEPACAM):c.10_11del (p.Glu4fs)

Gene: HEPACAM (hepatic and glial cell adhesion molecule; minus strand). Cytogenetic location: 11q24.2.
Variant type: Microsatellite.
Coding change: c.10_11del on transcript NM_152722.5 (MANE Select); coding-DNA positions 10 to 11, 2 bases deleted (GA; older notation c.10_11delGA).
Protein change: p.Glu4fs; shifts the reading frame from glutamic acid 4.
Molecular consequence: frameshift variant.
Genome position (GRCh38, 1-based): chr11:124,935,996-124,935,997, TC deleted on the plus strand (GA on the coding strand, the reverse complement: HEPACAM is on the minus strand); deleting any 2 consecutive bases within chr11:124,935,996-124,936,002 gives the same sequence; the c. name uses the placement nearest the transcript's 3' end. VCF-style (leftmost placement, unchanged base first): chr11-124935995-TTC-T. GRCh37 (hg19) VCF-style: chr11-124805891-TTC-T.
Other names: c.10_11del, p.Glu4fs (NM_001411043.1, NM_001441320.1); short protein forms E4fs.
Identifiers: ClinVar variation 4891066 (VCV004891066.1).